The following is an entry in ClinVar:

ClinVar aggregate classification (germline): Likely benign (1 of 4 stars; one submission).

Allele frequency attached by ClinVar (database versions not stated): gnomAD 0.00052; ESP Exome Variant Server 0.00067; 1000 Genomes Project 30x 0.00094; 1000 Genomes Project 0.00100; ExAC 0.00104.
gnomAD v4.1: 860 of 1,613,658 alleles (0.053%); highest among the groups gnomAD compares: Middle Eastern, 1.1%; 4 homozygotes.

Submission:

CeGaT Center for Human Genetics Tuebingen
Classification: Likely benign. Last evaluated: 2024-03-01. Review status: criteria provided, single submitter. Criteria: CeGaT Center For Human Genetics Tuebingen Variant Classification Criteria Version 2. Collection method: clinical testing. Allele origin: germline. Affected: yes. Observed: 6 variant alleles.
Comment: AHNAK2: BP4, BP7

NM_138420.4(AHNAK2):c.16545G>A (p.Ser5515=)

Gene: AHNAK2 (AHNAK nucleoprotein 2; minus strand). Cytogenetic location: 14q32.33.
Variant type: single nucleotide variant.
Coding change: c.16545G>A on transcript NM_138420.4 (MANE Select); coding-DNA position 16545, G replaced by A.
Protein change: p.Ser5515=; no amino-acid change (serine 5515 retained).
Molecular consequence: synonymous variant.
Genome position (GRCh38, 1-based): chr14:104,938,906, C>T on the plus strand (G>A on the coding strand, the complement: AHNAK2 is on the minus strand). VCF-style: chr14-104938906-C-T. GRCh37 (hg19) VCF-style: chr14-105405243-C-T.
Other names: c.16245G>A, p.Ser5415= (NM_001350929.2).
Identifiers: ClinVar variation 2644630 (VCV002644630.24), dbSNP rs200712744, ClinGen allele CA7377290.
Genomic context (GRCh38, chr14:104,938,906, plus strand): 5'-GTACACTCTAGCCTGCGTGTGGGGCTCTGGGATTTTCACTTTTAATAAGGAAAATCCGTA[C>T]GAAGGTGTTTGAATCTCTGACGTGGGGATCTCTGATTCCCGCACAATCTGAGTGGAAAAA-3'
Protein context (NP_612429.2, residues 5505-5525): EIPTSEIQTP[Ser5515=]YGFSLLKVKI